The following is an entry in ClinVar:

NM_000141.5(FGFR2):c.146T>G (p.Val49Gly)

Gene: FGFR2 (fibroblast growth factor receptor 2; minus strand). Cytogenetic location: 10q26.13.
Variant type: single nucleotide variant.
Coding change: c.146T>G on transcript NM_000141.5 (MANE Select); coding-DNA position 146, T replaced by G.
Protein change: p.Val49Gly; replaces valine 49 with glycine.
Molecular consequence: missense variant. On other transcripts: intron variant (9).
Genome position (GRCh38, 1-based): chr10:121,565,668, A>C on the plus strand (T>G on the coding strand, the complement: FGFR2 is on the minus strand). VCF-style: chr10-121565668-A-C. GRCh37 (hg19) VCF-style: chr10-123325182-A-C.
Other names: c.146T>G, p.Val49Gly (NM_001144913.1, NM_001144914.1, NM_001144917.2 and 3 more transcripts); c.110-14209T>G (NM_001144918.2, NM_001441091.1, NM_001441090.1 and 1 more transcripts); c.110-1089T>G (NM_001441089.1, NM_023029.3, NM_001441088.1 and 2 more transcripts); short protein forms V49G.
Identifiers: ClinVar variation 3700686 (VCV003700686.2).
Genomic context (GRCh38, chr10:121,565,668, plus strand): 5'-ACGGCGGCATCTTTCAACAGGCAGCGCACCTCTAGCGACTCCCCTGGCGCAGCCACGTAC[A>C]CTTCTGGTTGAGAGATTTGGTATTTGGTTGGTGGCTCTGCAGAAAGGTGGGAGAGAGAAG-3'
Protein context (NP_000132.3, residues 39-59): PTKYQISQPE[Val49Gly]YVAAPGESLE

ClinVar aggregate classification (germline): Uncertain significance (1 of 4 stars; one submission).

Conditions:
FGFR2-related craniosynostosis. Identifiers: MedGen CN231480.

gnomAD v4.1: 2 of 1,614,196 alleles (0.00012%); highest among the groups gnomAD compares: Non-Finnish European, 0.00017%; no homozygotes.

Submission:

Labcorp Genetics (formerly Invitae), Labcorp
Classification: Uncertain significance for FGFR2-related craniosynostosis. Last evaluated: 2025-01-06. Review status: criteria provided, single submitter. Criteria: Invitae Variant Classification Sherloc (09022015). Collection method: clinical testing. Allele origin: germline.
Comment: This sequence change replaces valine, which is neutral and non-polar, with glycine, which is neutral and non-polar, at codon 49 of the FGFR2 protein (p.Val49Gly). This variant is present in population databases (no rsID available, gnomAD 0.0009%). This variant has not been reported in the literature in individuals affected with FGFR2-related conditions. Invitae Evidence Modeling of protein sequence and biophysical properties (such as structural, functional, and spatial information, amino acid conservation, physicochemical variation, residue mobility, and thermodynamic stability) has been performed for this missense variant. However, the output from this modeling did not meet the statistical confidence thresholds required to predict the impact of this variant on FGFR2 protein function. In summary, the available evidence is currently insufficient to determine the role of this variant in disease. Therefore, it has been classified as a Variant of Uncertain Significance.